The following is an entry in ClinVar:

NM_213599.3(ANO5):c.674C>T (p.Pro225Leu)

Gene: ANO5 (anoctamin 5; plus strand). Cytogenetic location: 11p14.3.
Variant type: single nucleotide variant.
Coding change: c.674C>T on transcript NM_213599.3 (MANE Select); coding-DNA position 674, C replaced by T.
Protein change: p.Pro225Leu; replaces proline 225 with leucine.
Molecular consequence: missense variant.
Genome position (GRCh38, 1-based): chr11:22,236,188, C>T. VCF-style: chr11-22236188-C-T. GRCh37 (hg19) VCF-style: chr11-22257734-C-T.
Other names: c.671C>T, p.Pro224Leu (NM_001142649.2); short protein forms P225L, P224L.
Identifiers: ClinVar variation 446844 (VCV000446844.15), dbSNP rs757947963, ClinGen allele CA5922990.

ClinVar aggregate classification (germline): Uncertain significance. Review status: criteria provided, multiple submitters, no conflicts (2 of 4 stars). 5 submissions from 5 submitters: Uncertain significance (3). 2 of the submissions do not count toward it. Last evaluated 2025-08-14.

Conditions:
Inborn genetic diseases. Identifiers: MedGen C0950123, MeSH D030342.
Autosomal recessive limb-girdle muscular dystrophy type 2L (LGMDR12). Also called: Limb-Girdle Muscular Dystrophy R12 Anoctamin-5-Related (LGMD-R12); Limb-girdle muscular dystrophy, type 2L; MUSCULAR DYSTROPHY, LIMB-GIRDLE, AUTOSOMAL RECESSIVE 12. Identifiers: Orphanet 206549, MedGen C1969785, MONDO:0012652, OMIM 611307.
Gnathodiaphyseal dysplasia (GDD). Also called: GNATHODIAPHYSEAL SCLEROSIS; OSTEOGENESIS IMPERFECTA WITH UNUSUAL SKELETAL LESIONS. Identifiers: Orphanet 53697, MedGen C1833736, MONDO:0008151, OMIM 166260.

Allele frequency attached by ClinVar (database versions not stated): gnomAD 0.00005 and 0.00006; TOPMed 0.00007.
gnomAD v4.1: 27 of 1,612,888 alleles (0.0017%); highest among the groups gnomAD compares: African/African-American, 0.015%; no homozygotes.

Submissions (5):

Labcorp Genetics (formerly Invitae), Labcorp
Classification: Uncertain significance for Autosomal recessive limb-girdle muscular dystrophy type 2L; Gnathodiaphyseal dysplasia. Last evaluated: 2025-08-14. Review status: criteria provided, single submitter. Criteria: Invitae Variant Classification Sherloc (09022015). Collection method: clinical testing. Allele origin: germline.
Comment: This sequence change replaces proline, which is neutral and non-polar, with leucine, which is neutral and non-polar, at codon 225 of the ANO5 protein (p.Pro225Leu). This variant is present in population databases (rs757947963, gnomAD 0.02%). This variant has not been reported in the literature in individuals affected with ANO5-related conditions. ClinVar contains an entry for this variant (Variation ID: 446844). Invitae Evidence Modeling of protein sequence and biophysical properties (such as structural, functional, and spatial information, amino acid conservation, physicochemical variation, residue mobility, and thermodynamic stability) has been performed for this missense variant. However, the output from this modeling did not meet the statistical confidence thresholds required to predict the impact of this variant on ANO5 protein function. In summary, the available evidence is currently insufficient to determine the role of this variant in disease. Therefore, it has been classified as a Variant of Uncertain Significance.

Ambry Genetics
Classification: Uncertain significance for Inborn genetic diseases. Last evaluated: 2025-03-21. Review status: criteria provided, single submitter. Criteria: Ambry Variant Classification Scheme 2023. Collection method: clinical testing. Allele origin: germline.

Athena Diagnostics
Classification: Uncertain significance. Last evaluated: 2017-07-03. Review status: criteria provided, single submitter. Criteria: Athena Diagnostics Criteria. Collection method: clinical testing. Allele origin: germline.

Diagnostic Laboratory, Department of Genetics, University Medical Center Groningen
Classification: Uncertain significance. Review status: no assertion criteria provided. Collection method: clinical testing. Allele origin: germline. Affected: yes. Study: VKGL Data-share Consensus. Not counted in ClinVar's aggregate classification.

Laboratory of Diagnostic Genome Analysis, Leiden University Medical Center (LUMC)
Classification: Uncertain significance. Review status: no assertion criteria provided. Collection method: clinical testing. Allele origin: germline. Affected: yes. Study: VKGL Data-share Consensus. Not counted in ClinVar's aggregate classification.